The following is an entry in ClinVar:

NM_015001.3(SPEN):c.10634C>T (p.Pro3545Leu)

Gene: SPEN (spen family transcriptional repressor; plus strand). Cytogenetic location: 1p36.13.
Variant type: single nucleotide variant.
Coding change: c.10634C>T on transcript NM_015001.3 (MANE Select); coding-DNA position 10634, C replaced by T.
Protein change: p.Pro3545Leu; replaces proline 3545 with leucine.
Molecular consequence: missense variant.
Genome position (GRCh38, 1-based): chr1:15,937,936, C>T. VCF-style: chr1-15937936-C-T. GRCh37 (hg19) VCF-style: chr1-16264431-C-T.
Other names: short protein forms P3545L.
Identifiers: ClinVar variation 4076202 (VCV004076202.1).

ClinVar aggregate classification (germline): Uncertain significance (1 of 4 stars; one submission).

Conditions:
Radio-Tartaglia syndrome. Identifiers: Orphanet 662234, MedGen C5543339, MONDO:0859143, OMIM 619312.

Submission:

Laboratorio de Genetica e Diagnostico Molecular, Hospital Israelita Albert Einstein
Classification: Uncertain significance for Radio-Tartaglia syndrome. Last evaluated: 2024-02-19. Review status: criteria provided, single submitter. Criteria: ACMG Guidelines, 2015. Collection method: clinical testing. Allele origin: germline. Affected: yes.
Comment: ACMG classification criteria: PM2 supporting, PP2 supporting, BP4 supporting